The following is an entry in ClinVar:

NM_001184.4(ATR):c.2664A>G (p.Ala888=)

Gene: ATR (ATR checkpoint kinase; minus strand). Cytogenetic location: 3q23.
Variant type: single nucleotide variant.
Coding change: c.2664A>G on transcript NM_001184.4 (MANE Select); coding-DNA position 2664, A replaced by G.
Protein change: p.Ala888=; no amino-acid change (alanine 888 retained).
Molecular consequence: synonymous variant.
Genome position (GRCh38, 1-based): chr3:142,553,368, T>C on the plus strand (A>G on the coding strand, the complement: ATR is on the minus strand). VCF-style: chr3-142553368-T-C. GRCh37 (hg19) VCF-style: chr3-142272210-T-C.
Other names: c.2472A>G, p.Ala824= (NM_001354579.2).
Identifiers: ClinVar variation 697212 (VCV000697212.18), dbSNP rs767374235, ClinGen allele CA2650293.
Genomic context (GRCh38, chr3:142,553,368, plus strand): 5'-GTATGCTGCTCCAGAGACAGATGCTGACTTGGATAACAAACAATGCAATAAGTGTAAGAG[T>C]GCAAATGGTACCAAATCTCCTTTTGCGGCCCTAAAATTAAAAACAACATACATATGAATA-3'
Protein context (NP_001175.2, residues 878-898): RAAKGDLVPF[Ala888=]LLHLLHCLLS

ClinVar aggregate classification (germline): Likely benign. Review status: criteria provided, multiple submitters, no conflicts (2 of 4 stars). 6 submissions from 5 submitters: Likely benign (6). Last evaluated 2025-11-22.

Conditions:
Seckel syndrome 1 (SCKL1). Also called: MICROCEPHALIC PRIMORDIAL DWARFISM I. Identifiers: Orphanet 808, MedGen C4551474, MONDO:0008869, OMIM 210600.
Inborn genetic diseases. Identifiers: MedGen C0950123, MeSH D030342.
Familial cutaneous telangiectasia and oropharyngeal predisposition cancer syndrome. Identifiers: Orphanet 313846, MedGen C3281203, MONDO:0013806, OMIM 614564.

Allele frequency attached by ClinVar (database versions not stated): ExAC 0.00001; gnomAD 0.00001 and 0.00002; TOPMed 0.00003.
gnomAD v4.1: 28 of 1,613,730 alleles (0.0017%); highest among the groups gnomAD compares: Middle Eastern, 0.033%; no homozygotes.

Submissions (6):

Labcorp Genetics (formerly Invitae), Labcorp
Classification: Likely benign. Last evaluated: 2025-11-22. Review status: criteria provided, single submitter. Criteria: Invitae Variant Classification Sherloc (09022015). Collection method: clinical testing. Allele origin: germline.

CeGaT Center for Human Genetics Tuebingen
Classification: Likely benign. Last evaluated: 2025-11-01. Review status: criteria provided, single submitter. Criteria: CeGaT Center For Human Genetics Tuebingen Variant Classification Criteria Version 2. Collection method: clinical testing. Allele origin: germline. Affected: yes. Observed: 1 variant allele.
Comment: ATR: BP4, BP7

Blueprint Genetics
Classification: Likely benign. Last evaluated: 2023-08-10. Review status: criteria provided, single submitter. Criteria: ACMG Guidelines, 2015. Collection method: clinical testing. Allele origin: germline.

Genome-Nilou Lab
Classification: Likely benign for Seckel syndrome 1. Last evaluated: 2023-02-08. Review status: criteria provided, single submitter. Criteria: ACMG Guidelines, 2015. Collection method: clinical testing. Allele origin: germline.

Genome-Nilou Lab
Classification: Likely benign for Familial cutaneous telangiectasia and oropharyngeal predisposition cancer syndrome. Last evaluated: 2023-02-08. Review status: criteria provided, single submitter. Criteria: ACMG Guidelines, 2015. Collection method: clinical testing. Allele origin: germline.

Ambry Genetics
Classification: Likely benign for Inborn genetic diseases. Last evaluated: 2022-03-29. Review status: criteria provided, single submitter. Criteria: Ambry Variant Classification Scheme 2023. Collection method: clinical testing. Allele origin: germline.